The following is an entry in ClinVar:

ClinVar aggregate classification (germline): Uncertain significance (1 of 4 stars; one submission).

Conditions:
Neuropathy, hereditary sensory, type 2C. Also called: KIF1A-Related HSAN2 (HSAN2C); Hereditary sensory and autonomic neuropathy type IIC. Identifiers: Orphanet 970, MedGen C3280168, MONDO:0013634, OMIM 614213.
Hereditary spastic paraplegia 30. Identifiers: Orphanet 101010, MedGen C5235139, MONDO:0012476.
Intellectual disability, autosomal dominant 9 (NESCAVS). Also called: NESCAV SYNDROME; KIF1A-Related Neurodevelopmental Disorder. Identifiers: Orphanet 662367, MedGen C5393830, MONDO:0013656, OMIM 614255.

Submission:

Labcorp Genetics (formerly Invitae), Labcorp
Classification: Uncertain significance for Hereditary spastic paraplegia 30; Neuropathy, hereditary sensory, type 2C; Intellectual disability, autosomal dominant 9. Last evaluated: 2025-08-18. Review status: criteria provided, single submitter. Criteria: Invitae Variant Classification Sherloc (09022015). Collection method: clinical testing. Allele origin: germline.
Comment: This sequence change replaces arginine, which is basic and polar, with glycine, which is neutral and non-polar, at codon 1689 of the KIF1A protein (p.Arg1689Gly). This variant is not present in population databases (gnomAD no frequency). This variant has not been reported in the literature in individuals affected with KIF1A-related conditions. ClinVar contains an entry for this variant (Variation ID: 2936450). Invitae Evidence Modeling of protein sequence and biophysical properties (such as structural, functional, and spatial information, amino acid conservation, physicochemical variation, residue mobility, and thermodynamic stability) indicates that this missense variant is not expected to disrupt KIF1A protein function with a negative predictive value of 95%. In summary, the available evidence is currently insufficient to determine the role of this variant in disease. Therefore, it has been classified as a Variant of Uncertain Significance.

NM_001244008.2(KIF1A):c.5368C>G (p.Arg1790Gly)

Gene: KIF1A (kinesin family member 1A; minus strand). Cytogenetic location: 2q37.3.
Variant type: single nucleotide variant.
Coding change: c.5368C>G on transcript NM_001244008.2 (MANE Select); coding-DNA position 5368, C replaced by G.
Protein change: p.Arg1790Gly; replaces arginine 1790 with glycine.
Molecular consequence: missense variant.
Genome position (GRCh38, 1-based): chr2:240,717,372, G>C on the plus strand (C>G on the coding strand, the complement: KIF1A is on the minus strand). VCF-style: chr2-240717372-G-C. GRCh37 (hg19) VCF-style: chr2-241656789-G-C.
Other names: c.5092C>G, p.Arg1698Gly (NM_001320705.2, NM_001379649.1); c.5119C>G, p.Arg1707Gly (NM_001330289.2); c.5167C>G, p.Arg1723Gly (NM_001330290.2, NM_001379648.1); c.5443C>G, p.Arg1815Gly (NM_001379631.1); c.5344C>G, p.Arg1782Gly (NM_001379632.1); c.5341C>G, p.Arg1781Gly (NM_001379633.1, NM_001379645.1); c.5194C>G, p.Arg1732Gly (NM_001379634.1); c.5191C>G, p.Arg1731Gly (NM_001379635.1, NM_001379646.1); and 8 more; short protein forms R1677G, R1689G, R1698G, R1706G, R1782G, R1707G, R1731G, R1732G.
Identifiers: ClinVar variation 2936450 (VCV002936450.3), dbSNP rs375509312, ClinGen allele CA351297197.